The following is an entry in ClinVar:

NM_173660.5(DOK7):c.932T>C (p.Met311Thr)

Gene: DOK7 (docking protein 7; plus strand). Cytogenetic location: 4p16.3.
Variant type: single nucleotide variant.
Coding change: c.932T>C on transcript NM_173660.5 (MANE Select); coding-DNA position 932, T replaced by C.
Protein change: p.Met311Thr; replaces methionine 311 with threonine.
Molecular consequence: missense variant. On other transcripts: 3 prime UTR variant (1), initiator codon variant (1).
Genome position (GRCh38, 1-based): chr4:3,492,918, T>C. VCF-style: chr4-3492918-T-C. GRCh37 (hg19) VCF-style: chr4-3494645-T-C.
Other names: c.*153T>C (NM_001164673.2); c.2T>C, p.Met1Thr (NM_001256896.2); c.932T>C, p.Met311Thr (NM_001301071.2); c.500T>C, p.Met167Thr (NM_001363811.2); short protein forms M311T, M167T, M1T.
Identifiers: ClinVar variation 858676 (VCV000858676.7), dbSNP rs763124567, ClinGen allele CA2829292.

ClinVar aggregate classification (germline): Uncertain significance. Review status: criteria provided, multiple submitters, no conflicts (2 of 4 stars). 2 submissions from 2 submitters: Uncertain significance (2). Last evaluated 2022-10-05.

Conditions:
Inborn genetic diseases. Identifiers: MedGen C0950123, MeSH D030342.
Fetal akinesia deformation sequence 1 (FADS1). Also called: Pena-Shokeir syndrome type I; Fetal akinesia sequence. Identifiers: Orphanet 994, MedGen C1276035, MONDO:0100101, OMIM 208150, HP:0001989.
Congenital myasthenic syndrome 10. Also called: Myasthenia, limb-girdle, familial. Identifiers: Orphanet 590, MedGen C1850792, MONDO:0009690, OMIM 254300.

Allele frequency attached by ClinVar (database versions not stated): ExAC 0.00007; gnomAD exomes 0.00007 and 0.00016; TOPMed 0.00007; gnomAD 0.00009.
gnomAD v4.1: 242 of 1,567,318 alleles (0.015%); highest among the groups gnomAD compares: Non-Finnish European, 0.019%; no homozygotes.

Submissions (2):

Ambry Genetics
Classification: Uncertain significance for Inborn genetic diseases. Last evaluated: 2022-10-05. Review status: criteria provided, single submitter. Criteria: Ambry Variant Classification Scheme 2023. Collection method: clinical testing. Allele origin: germline.

Labcorp Genetics (formerly Invitae), Labcorp
Classification: Uncertain significance for Congenital myasthenic syndrome 10; Fetal akinesia deformation sequence 1. Last evaluated: 2022-06-27. Review status: criteria provided, single submitter. Criteria: Invitae Variant Classification Sherloc (09022015). Collection method: clinical testing. Allele origin: germline.
Comment: This sequence change replaces methionine, which is neutral and non-polar, with threonine, which is neutral and polar, at codon 311 of the DOK7 protein (p.Met311Thr). This variant is present in population databases (rs763124567, gnomAD 0.01%). This variant has not been reported in the literature in individuals affected with DOK7-related conditions. ClinVar contains an entry for this variant (Variation ID: 858676). Algorithms developed to predict the effect of missense changes on protein structure and function output the following: SIFT: "Tolerated"; PolyPhen-2: "Benign"; Align-GVGD: "Class C0". The threonine amino acid residue is found in multiple mammalian species, which suggests that this missense change does not adversely affect protein function. In summary, the available evidence is currently insufficient to determine the role of this variant in disease. Therefore, it has been classified as a Variant of Uncertain Significance.